The following is an entry in ClinVar:

ClinVar aggregate classification (germline): Pathogenic. Review status: criteria provided, multiple submitters, no conflicts (2 of 4 stars). 3 submissions from 3 submitters: Pathogenic (2). 1 of the submissions does not count toward it. Last evaluated 2025-03-06.

Conditions:
Retinitis pigmentosa (RP). Identifiers: Orphanet 791, MedGen C0035334, MeSH D012174, MONDO:0019200, OMIM 268000. Inheritance: Autosomal dominant, autosomal recessive and X linked inheritance.
PDE6B-related disorder. Also called: PDE6B-related disease; PDE6B-related condition; PDE6B-related disorders.

Allele frequency attached by ClinVar (database versions not stated): gnomAD exomes below 0.00001 and 0.00001; ExAC 0.00001.

Submissions (3):

Labcorp Genetics (formerly Invitae), Labcorp
Classification: Pathogenic. Last evaluated: 2025-03-06. Review status: criteria provided, single submitter. Criteria: Invitae Variant Classification Sherloc (09022015). Collection method: clinical testing. Allele origin: germline.
Comment: This sequence change creates a premature translational stop signal (p.Ile70Hisfs*96) in the PDE6B gene. It is expected to result in an absent or disrupted protein product. Loss-of-function variants in PDE6B are known to be pathogenic (PMID: 8394174, 8595886, 22334370). This variant is present in population databases (rs750147338, gnomAD 0.003%). This premature translational stop signal has been observed in individual(s) with clinical features of retinitis pigmentosa (PMID: 30718709). ClinVar contains an entry for this variant (Variation ID: 636060). For these reasons, this variant has been classified as Pathogenic.

Blueprint Genetics
Classification: Pathogenic for PDE6B-related disorders. Last evaluated: 2020-03-19. Review status: criteria provided, single submitter. Criteria: ACMG Guidelines, 2015. Collection method: clinical testing. Allele origin: germline. Affected: yes. Observed: 1 variant allele.

Department of Clinical Genetics, Copenhagen University Hospital, Rigshospitalet
Classification: Likely pathogenic for Retinitis pigmentosa. Last evaluated: 2018-04-01. Review status: no assertion criteria provided. Collection method: research. Allele origin: unknown. Affected: yes. Study: VeluxRD. Not counted in ClinVar's aggregate classification.

Literature cited by the submitters: PubMed 8394174 (cited by Labcorp Genetics (formerly Invitae), Labcorp); PubMed 8595886 (cited by Labcorp Genetics (formerly Invitae), Labcorp); PubMed 22334370 (cited by Labcorp Genetics (formerly Invitae), Labcorp); PubMed 30718709 (cited by Labcorp Genetics (formerly Invitae), Labcorp and Department of Clinical Genetics, Copenhagen University Hospital, Rigshospitalet).

NM_000283.4(PDE6B):c.207dup (p.Ile70fs)

Gene: PDE6B (phosphodiesterase 6B; plus strand). Cytogenetic location: 4p16.3.
Variant type: Duplication.
Coding change: c.207dup on transcript NM_000283.4 (MANE Select); coding-DNA position 207, one base duplicated (C; older notation c.207dupC).
Protein change: p.Ile70fs; shifts the reading frame from isoleucine 70.
Molecular consequence: frameshift variant.
Genome position (GRCh38, 1-based): chr4:625,833, C duplicated. VCF-style (leftmost placement, unchanged base first): chr4-625832-G-GC. GRCh37 (hg19) VCF-style: chr4-619621-G-GC.
Other names: c.207dup, p.Ile70fs (NM_001145291.2); short protein forms I70fs.
Identifiers: ClinVar variation 636060 (VCV000636060.5), dbSNP rs750147338, ClinGen allele CA2793869.